The following is an entry in ClinVar:

NM_152743.4(BRAT1):c.1711C>T (p.Gln571Ter)

Gene: BRAT1 (BRCA1 associated ATM activator 1; minus strand). Cytogenetic location: 7p22.3.
Variant type: single nucleotide variant.
Coding change: c.1711C>T on transcript NM_152743.4 (MANE Select); coding-DNA position 1711, C replaced by T.
Protein change: p.Gln571Ter; replaces glutamine 571 with a stop codon.
Molecular consequence: nonsense. On other transcripts: non-coding transcript variant (1).
Genome position (GRCh38, 1-based): chr7:2,539,238, G>A on the plus strand (C>T on the coding strand, the complement: BRAT1 is on the minus strand). VCF-style: chr7-2539238-G-A. GRCh37 (hg19) VCF-style: chr7-2578872-G-A.
Other names: c.1711C>T, p.Gln571Ter (NM_001350626.2); c.1186C>T, p.Gln396Ter (NM_001350627.2); short protein forms Q396*, Q571*.
Identifiers: ClinVar variation 1377471 (VCV001377471.6), dbSNP rs1562567814, ClinGen allele CA366626593.
Genomic context (GRCh38, chr7:2,539,238, plus strand): 5'-CCTGCCGGGCCTCTGCATGCTCAGGGCTGGTGGGGGCGTGCAGGCCCTGGCTGGACAGCT[G>A]CCCCATGGCGGTCACTGCACTCGCTCGGACATAACTCTCAGGGTCCTGGAGGAGCTGCAG-3'

ClinVar aggregate classification (germline): Pathogenic (1 of 4 stars; one submission).

Conditions:
Neonatal-onset encephalopathy with rigidity and seizures. Also called: Lethal neonatal spasticity-epileptic encephalopathy syndrome. Identifiers: Orphanet 435845, MedGen C3281029, MONDO:0013784, OMIM 614498.

Allele frequency attached by ClinVar (database versions not stated): gnomAD exomes below 0.00001.
gnomAD v4.1: 1 of 1,611,240 alleles (0.000062%); highest among the groups gnomAD compares: Admixed American, 0.0017%; no homozygotes.

Submission:

Labcorp Genetics (formerly Invitae), Labcorp
Classification: Pathogenic for Neonatal-onset encephalopathy with rigidity and seizures. Last evaluated: 2023-07-03. Review status: criteria provided, single submitter. Criteria: Invitae Variant Classification Sherloc (09022015). Collection method: clinical testing. Allele origin: germline.
Comment: This sequence change creates a premature translational stop signal (p.Gln571*) in the BRAT1 gene. It is expected to result in an absent or disrupted protein product. Loss-of-function variants in BRAT1 are known to be pathogenic (PMID: 22279524, 25500575). This variant is present in population databases (no rsID available, gnomAD 0.003%). This premature translational stop signal has been observed in individual(s) with clinical features of BRAT1-related conditions (Invitae). ClinVar contains an entry for this variant (Variation ID: 1377471). Algorithms developed to predict the effect of sequence changes on RNA splicing suggest that this variant may disrupt the consensus splice site. For these reasons, this variant has been classified as Pathogenic.

Literature cited by the submitters: PubMed 22279524; PubMed 25500575.